The following is an entry in ClinVar:

ClinVar aggregate classification (germline): Likely benign (1 of 4 stars; one submission).

Conditions:
Juvenile polyposis/hereditary hemorrhagic telangiectasia syndrome (JPHT). Also called: JP/HHT SYNDROME; JUVENILE POLYPOSIS WITH HEREDITARY HEMORRHAGIC TELANGIECTASIA; POLYPOSIS, GENERALIZED JUVENILE, WITH PULMONARY ARTERIOVENOUS MALFORMATION; TELANGIECTASIA, HEREDITARY HEMORRHAGIC, WITH JUVENILE POLYPOSIS COLI; Juvenile Polyposis Syndrome / Hereditary Hemorrhagic Telangiectasia (JPS/HHT). Identifiers: Orphanet 2929, MedGen C1832942, MONDO:0008278, OMIM 175050.

Submission:

Myriad Genetics, Inc.
Classification: Likely benign for Juvenile polyposis/hereditary hemorrhagic telangiectasia syndrome. Last evaluated: 2025-03-19. Review status: criteria provided, single submitter. Criteria: Myriad Autosomal Dominant, Autosomal Recessive and X-Linked Classification Criteria (2023). Collection method: clinical testing. Allele origin: unknown.
Comment: This variant is considered likely benign. This variant is intronic and is not expected to impact mRNA splicing.

NM_005359.6(SMAD4):c.455-20A>G

Gene: SMAD4 (SMAD family member 4; plus strand). Cytogenetic location: 18q21.2.
Variant type: single nucleotide variant.
Coding change: c.455-20A>G on transcript NM_005359.6 (MANE Select); 20 bases into the intron before coding-DNA position 455, A replaced by G.
Molecular consequence: intron variant.
Genome position (GRCh38, 1-based): chr18:51,054,761, A>G. VCF-style: chr18-51054761-A-G. GRCh37 (hg19) VCF-style: chr18-48581131-A-G.
Other names: c.455-20A>G (NM_001407042.1, NM_001407041.1, NM_001407043.1).
Identifiers: ClinVar variation 3903523 (VCV003903523.1).
Genomic context (GRCh38, chr18:51,054,761, plus strand): 5'-TATATTACTTGCTAATAAGATTTTTTTTTCTGGGAATAGAAGCTTATAAAAATTTAAAAT[A>G]TGTTTAATTTTCTATATAGCTCCATCAAGTATGATGGTGAAGGATGAATATGTGCATGAC-3'